The following is an entry in ClinVar:

ClinVar aggregate classification (germline): Uncertain significance (1 of 4 stars; one submission).

Submission:

Labcorp Genetics (formerly Invitae), Labcorp
Classification: Uncertain significance. Last evaluated: 2023-06-02. Review status: criteria provided, single submitter. Criteria: Invitae Variant Classification Sherloc (09022015). Collection method: clinical testing. Allele origin: germline.
Comment: In summary, the available evidence is currently insufficient to determine the role of this variant in disease. Therefore, it has been classified as a Variant of Uncertain Significance. Advanced modeling of protein sequence and biophysical properties (such as structural, functional, and spatial information, amino acid conservation, physicochemical variation, residue mobility, and thermodynamic stability) performed at Invitae indicates that this missense variant is not expected to disrupt POLE protein function. This variant has not been reported in the literature in individuals affected with POLE-related conditions. This variant is not present in population databases (gnomAD no frequency). This sequence change replaces leucine, which is neutral and non-polar, with isoleucine, which is neutral and non-polar, at codon 1096 of the POLE protein (p.Leu1096Ile).

NM_006231.4(POLE):c.3286C>A (p.Leu1096Ile)

Gene: POLE (DNA polymerase epsilon, catalytic subunit; minus strand). Cytogenetic location: 12q24.33.
Variant type: single nucleotide variant.
Coding change: c.3286C>A on transcript NM_006231.4 (MANE Select); coding-DNA position 3286, C replaced by A.
Protein change: p.Leu1096Ile; replaces leucine 1096 with isoleucine.
Molecular consequence: missense variant.
Genome position (GRCh38, 1-based): chr12:132,657,960, G>T on the plus strand (C>A on the coding strand, the complement: POLE is on the minus strand). VCF-style: chr12-132657960-G-T. GRCh37 (hg19) VCF-style: chr12-133234546-G-T.
Other names: short protein forms L1096I.
Identifiers: ClinVar variation 2756393 (VCV002756393.3), dbSNP rs2042583988, ClinGen allele CA387389867.